The following is an entry in ClinVar:

NM_001379451.1(BCORL1):c.97C>G (p.Leu33Val)

Gene: BCORL1 (BCL6 corepressor like 1; plus strand). Cytogenetic location: Xq26.1.
Variant type: single nucleotide variant.
Coding change: c.97C>G on transcript NM_001379451.1 (MANE Select); coding-DNA position 97, C replaced by G.
Protein change: p.Leu33Val; replaces leucine 33 with valine.
Molecular consequence: missense variant.
Genome position (GRCh38, 1-based): chrX:130,012,588, C>G. VCF-style: chrX-130012588-C-G. GRCh37 (hg19) VCF-style: chrX-129146564-C-G.
Other names: c.97C>G, p.Leu33Val (NM_001184772.3, NM_001379450.1, NM_021946.5); short protein forms L33V.
Identifiers: ClinVar variation 2505953 (VCV002505953.1), dbSNP rs2522637904, ClinGen allele CA414565545.

ClinVar aggregate classification (germline): Uncertain significance (1 of 4 stars; one submission).

Submission:

GeneDx
Classification: Uncertain significance. Last evaluated: 2022-12-13. Review status: criteria provided, single submitter. Criteria: GeneDx Variant Classification Process June 2021. Collection method: clinical testing. Allele origin: germline. Affected: yes.
Comment: Not observed at significant frequency in large population cohorts (gnomAD); In silico analysis supports that this missense variant does not alter protein structure/function; Has not been previously published as pathogenic or benign to our knowledge